The following is an entry in ClinVar:

NM_000384.3(APOB):c.7957del (p.Asn2654fs)

Gene: APOB (apolipoprotein B; minus strand). Cytogenetic location: 2p24.1.
Variant type: Deletion.
Coding change: c.7957del on transcript NM_000384.3 (MANE Select); coding-DNA position 7957, one base deleted (C; older notation c.7957delC).
Protein change: p.Asn2654fs; shifts the reading frame from asparagine 2654.
Molecular consequence: frameshift variant.
Genome position (GRCh38, 1-based): chr2:21,008,911, G deleted on the plus strand (C on the coding strand, the reverse complement: APOB is on the minus strand); the first of 2 consecutive G bases (chr2:21,008,911-21,008,912); deleting either gives the same sequence. VCF-style (leftmost placement, unchanged base first): chr2-21008910-AG-A. GRCh37 (hg19) VCF-style: chr2-21231782-AG-A.
Other names: short protein forms N2654fs.
Identifiers: ClinVar variation 2944775 (VCV002944775.3), dbSNP rs2465367585, ClinGen allele CA2740092731.
Genomic context (GRCh38, chr2:21,008,910, plus strand): 5'-ATGATCTTTACTTTCATTTCTACAAAGTCAATTGTAAAGGAAGGAATGTGGAAGGTGTTA[AG>A]GATGGTAAATTCTGGTGTGGAAAACCTGGATGGGATTTTTATATTTTTTAAGTCTTTGAA-3'

ClinVar aggregate classification (germline): Pathogenic (1 of 4 stars; one submission).

Conditions:
Familial hypobetalipoproteinemia 1. Also called: APOB-Related Familial Hypobetalipoproteinemia; Hypobetalipoproteinemia, normotriglyceridemic; Acanthocytosis with hypobetalipoproteinemia. Identifiers: MedGen C4551990, MONDO:0014252, OMIM 615558.
Hypercholesterolemia, autosomal dominant, type B (FHCL2). Also called: Familial Hypercholesterolemia Type B; APOLIPOPROTEIN B-100, FAMILIAL DEFECTIVE; APOLIPOPROTEIN B-100, FAMILIAL LIGAND-DEFECTIVE; HYPERCHOLESTEROLEMIA, FAMILIAL, DUE TO LIGAND-DEFECTIVE APOLIPOPROTEIN B; Hyperlipoproteinemia Type IIb; Familial hypercholesterolemia 2. Identifiers: MedGen C1704417, MONDO:0007751, OMIM 144010.

Submission:

Labcorp Genetics (formerly Invitae), Labcorp
Classification: Pathogenic for Familial hypobetalipoproteinemia 1; Hypercholesterolemia, autosomal dominant, type B. Last evaluated: 2023-02-27. Review status: criteria provided, single submitter. Criteria: Invitae Variant Classification Sherloc (09022015). Collection method: clinical testing. Allele origin: germline.
Comment: For these reasons, this variant has been classified as Pathogenic. This variant has not been reported in the literature in individuals affected with APOB-related conditions. This variant is not present in population databases (gnomAD no frequency). This sequence change creates a premature translational stop signal (p.Asn2654Thrfs*13) in the APOB gene. It is expected to result in an absent or disrupted protein product. Loss-of-function variants in APOB are known to be pathogenic (PMID: 20032471).

Literature cited by the submitters: PubMed 20032471.